The following is an entry in ClinVar:

ClinVar aggregate classification (germline): Likely pathogenic. Review status: criteria provided, multiple submitters, no conflicts (2 of 4 stars). 2 submissions from 2 submitters: Likely pathogenic (2). Last evaluated 2026-02-24.

Conditions:
Autosomal recessive limb-girdle muscular dystrophy type 2J (LGMDR10). Also called: Limb-girdle muscular dystrophy, type 2J; MUSCULAR DYSTROPHY, LIMB-GIRDLE, AUTOSOMAL RECESSIVE 10. Identifiers: Orphanet 140922, MedGen C1837342, MONDO:0012127, OMIM 608807.
Dilated cardiomyopathy 1G (CMD1G). Identifiers: Orphanet 154, MedGen C1858763, MONDO:0011400, OMIM 604145.
Cardiovascular phenotype. Identifiers: MedGen CN230736.

Submissions (2):

Ambry Genetics
Classification: Likely pathogenic for Cardiovascular phenotype. Last evaluated: 2026-02-24. Review status: criteria provided, single submitter. Criteria: Ambry Variant Classification Scheme 2023. Collection method: clinical testing. Allele origin: germline.
Comment: The p.S6079* variant (also known as c.18236C>A), located in coding exon 73 of the TTN gene, results from a C to A substitution at nucleotide position 18236. This changes the amino acid from a serine to a stop codon within coding exon 73. This exon is located in the I-band region of the N2-B isoform of the titin protein and is constitutively expressed in TTN transcripts (percent spliced in or PSI 100%). This variant was reported in individual(s) with features consistent with dilated cardiomyopathy (Ambry internal data). This variant is considered to be rare based on population cohorts in the Genome Aggregation Database (gnomAD). This variant is expected to result in loss of function by premature protein truncation or nonsense-mediated mRNA decay. While truncating variants in TTN are present in 1-3% of the general population, truncating variants in the A-band are the most common cause of dilated cardiomyopathy (Herman DS et al. N. Engl. J. Med., 2012 Feb;366:619-28; Roberts AM et al. Sci Transl Med, 2015 Jan;7:270ra6). TTN truncating variants encoded in constitutive exons (PSI >90%) have been found to be significantly associated with DCM regardless of their position in titin (Schafer S et al. Nat. Genet., 2017 01;49:46-53; Akhtar MM et al. Circ Heart Fail, 2020 Oct;13:e006832; Massier M et al. Clin Genet, 2025 Jan). Based on the majority of available evidence to date, this variant is likely to be pathogenic.

Labcorp Genetics (formerly Invitae), Labcorp
Classification: Likely pathogenic for Dilated cardiomyopathy 1G; Autosomal recessive limb-girdle muscular dystrophy type 2J. Last evaluated: 2024-10-18. Review status: criteria provided, single submitter. Criteria: Invitae Variant Classification Sherloc (09022015). Collection method: clinical testing. Allele origin: germline.
Comment: This sequence change creates a premature translational stop signal (p.Ser15144*) in the TTN gene. While this is not anticipated to result in nonsense mediated decay, it is expected to create a truncated TTN protein. This variant is not present in population databases (gnomAD no frequency). This variant has not been reported in the literature in individuals affected with TTN-related conditions. ClinVar contains an entry for this variant (Variation ID: 2025761). This variant is located in the I band of TTN (PMID: 25589632). Truncating variants in this region have been reported in individuals affected with autosomal recessive centronuclear myopathy (PMID: 23975875, internal data). Truncating variants in this region have also been identified in individuals affected with autosomal dominant dilated cardiomyopathy and/or cardio-related conditions (PMID: 27869827, 32964742, internal data). In summary, the currently available evidence indicates that the variant is pathogenic, but additional data are needed to prove that conclusively. Therefore, this variant has been classified as Likely Pathogenic.

Literature cited by the submitters: PubMed 25589632 (cited by Labcorp Genetics (formerly Invitae), Labcorp); PubMed 23975875 (cited by Labcorp Genetics (formerly Invitae), Labcorp); PubMed 27869827 (cited by Labcorp Genetics (formerly Invitae), Labcorp); PubMed 32964742 (cited by Labcorp Genetics (formerly Invitae), Labcorp).

NM_001267550.2(TTN):c.45431C>A (p.Ser15144Ter)

Genes: TTN (titin; minus strand), LOC126806427 (BRD4-independent group 4 enhancer GRCh37_chr2:179485777-179486976; plus strand). Cytogenetic location: 2q31.2.
Variant type: single nucleotide variant.
Coding change: c.45431C>A on transcript NM_001267550.2 (MANE Select); coding-DNA position 45431, C replaced by A.
Protein change: p.Ser15144Ter; replaces serine 15144 with a stop codon.
Molecular consequence: nonsense.
Genome position (GRCh38, 1-based): chr2:178,621,287, G>T on the plus strand (C>A on the coding strand, the complement: TTN is on the minus strand). VCF-style: chr2-178621287-G-T. GRCh37 (hg19) VCF-style: chr2-179486014-G-T.
Other names: c.40508C>A, p.Ser13503Ter (NM_001256850.1); c.18236C>A, p.Ser6079Ter (NM_003319.4); c.37727C>A, p.Ser12576Ter (NM_133378.4); c.18611C>A, p.Ser6204Ter (NM_133432.3); c.18812C>A, p.Ser6271Ter (NM_133437.4); short protein forms S6204*, S12576*, S13503*, S6271*, S15144*, S6079*.
Identifiers: ClinVar variation 2025761 (VCV002025761.5), dbSNP rs2058229729, ClinGen allele CA349634546.